The following is an entry in ClinVar:

ClinVar aggregate classification (germline): Uncertain significance (1 of 4 stars; one submission).

Conditions:
Hereditary cancer-predisposing syndrome. Also called: Hereditary Cancer Syndrome; Hereditary neoplastic syndrome; Neoplastic Syndromes, Hereditary; Tumor predisposition. Identifiers: Orphanet 140162, MedGen C0027672, MeSH D009386, MONDO:0015356.

Submission:

Ambry Genetics
Classification: Uncertain significance for Hereditary cancer-predisposing syndrome. Last evaluated: 2022-03-16. Review status: criteria provided, single submitter. Criteria: Ambry Variant Classification Scheme 2023. Collection method: clinical testing. Allele origin: germline.
Comment: The p.P331L variant (also known as c.992C>T), located in coding exon 4 of the BARD1 gene, results from a C to T substitution at nucleotide position 992. The proline at codon 331 is replaced by leucine, an amino acid with similar properties. This amino acid position is conserved. In addition, this alteration is predicted to be tolerated by in silico analysis. Since supporting evidence is limited at this time, the clinical significance of this alteration remains unclear.

NM_000465.4(BARD1):c.992C>T (p.Pro331Leu)

Gene: BARD1 (BRCA1 associated RING domain 1; minus strand). Cytogenetic location: 2q35.
Variant type: single nucleotide variant.
Coding change: c.992C>T on transcript NM_000465.4 (MANE Select); coding-DNA position 992, C replaced by T.
Protein change: p.Pro331Leu; replaces proline 331 with leucine.
Molecular consequence: missense variant. On other transcripts: non-coding transcript variant (2), intron variant (3).
Genome position (GRCh38, 1-based): chr2:214,780,882, G>A on the plus strand (C>T on the coding strand, the complement: BARD1 is on the minus strand). VCF-style: chr2-214780882-G-A. GRCh37 (hg19) VCF-style: chr2-215645606-G-A.
Other names: c.935C>T, p.Pro312Leu (NM_001282543.2); c.159-28327C>T (NM_001282548.2); c.215+16179C>T (NM_001282545.2); c.364+11415C>T (NM_001282549.2); short protein forms P312L, P331L.
Identifiers: ClinVar variation 1768636 (VCV001768636.2), dbSNP rs1422030098, ClinGen allele CA350454468.